The following is an entry in ClinVar:

ClinVar aggregate classification (germline): Uncertain significance (1 of 4 stars; one submission).

gnomAD v4.1: 6 of 1,613,830 alleles (0.00037%); highest among the groups gnomAD compares: African/African-American, 0.0027%; no homozygotes.

Submission:

Labcorp Genetics (formerly Invitae), Labcorp
Classification: Uncertain significance. Last evaluated: 2026-01-06. Review status: criteria provided, single submitter. Criteria: Invitae Variant Classification Sherloc (09022015). Collection method: clinical testing. Allele origin: germline.
Comment: This sequence change replaces aspartic acid, which is acidic and polar, with histidine, which is basic and polar, at codon 5 of the CASQ1 protein (p.Asp5His). This variant is present in population databases (no rsID available, gnomAD 0.0009%). This variant has not been reported in the literature in individuals affected with CASQ1-related conditions. ClinVar contains an entry for this variant (Variation ID: 3607851). An algorithm developed to predict the effect of missense changes on protein structure and function (PolyPhen-2) suggests that this variant is likely to be tolerated. In summary, the available evidence is currently insufficient to determine the role of this variant in disease. Therefore, it has been classified as a Variant of Uncertain Significance.

NM_001231.5(CASQ1):c.13G>C (p.Asp5His)

Gene: CASQ1 (calsequestrin 1; plus strand). Cytogenetic location: 1q23.2.
Variant type: single nucleotide variant.
Coding change: c.13G>C on transcript NM_001231.5 (MANE Select); coding-DNA position 13, G replaced by C.
Protein change: p.Asp5His; replaces aspartic acid 5 with histidine.
Molecular consequence: missense variant.
Genome position (GRCh38, 1-based): chr1:160,190,764, G>C. VCF-style: chr1-160190764-G-C. GRCh37 (hg19) VCF-style: chr1-160160554-G-C.
Other names: short protein forms D5H.
Identifiers: ClinVar variation 3607851 (VCV003607851.2).